The following is an entry in ClinVar:

NM_001374736.1(DST):c.21195C>T (p.Ile7065=)

Gene: DST (dystonin; minus strand). Cytogenetic location: 6p12.1.
Variant type: single nucleotide variant.
Coding change: c.21195C>T on transcript NM_001374736.1 (MANE Select); coding-DNA position 21195, C replaced by T.
Protein change: p.Ile7065=; no amino-acid change (isoleucine 7065 retained).
Molecular consequence: synonymous variant.
Genome position (GRCh38, 1-based): chr6:56,485,324, G>A on the plus strand (C>T on the coding strand, the complement: DST is on the minus strand). VCF-style: chr6-56485324-G-A. GRCh37 (hg19) VCF-style: chr6-56350122-G-A.
Other names: c.14838C>T (NM_001144769.2); c.14838C>T, p.Ile4946= (NM_001144769.5); c.14424C>T, p.Ile4808= (NM_001144770.2); c.21195C>T, p.Ile7065= (NM_001374722.1); c.20235C>T, p.Ile6745= (NM_001374729.1); c.13977C>T, p.Ile4659= (NM_001374730.1); c.21222C>T, p.Ile7074= (NM_001374734.1); c.14304C>T, p.Ile4768= (NM_001386100.1, NM_183380.4); and 1 more.
Identifiers: ClinVar variation 2162454 (VCV002162454.5), dbSNP rs759930255, ClinGen allele CA139181364.

ClinVar aggregate classification (germline): Likely benign. Review status: criteria provided, multiple submitters, no conflicts (2 of 4 stars). 2 submissions from 2 submitters: Likely benign (2). Last evaluated 2026-01-26.

Conditions:
DST-related disorder. Also called: DST-related disorders; DST-related condition.
Epidermolysis bullosa simplex 3, localized or generalized intermediate, with BP230 deficiency (EBS3). Also called: Epidermolysis bullosa simplex, autosomal recessive 2; Epidermolysis bullosa simplex due to BP230 deficiency. Identifiers: Orphanet 412181, MedGen C3809470, MONDO:0014180, OMIM 615425.
Hereditary sensory and autonomic neuropathy type 6. Also called: HSAN VI; Neuropathy, hereditary sensory and autonomic, type VI. Identifiers: Orphanet 314381, MedGen C3539003, MONDO:0013839, OMIM 614653.

gnomAD v4.1: 9 of 1,613,524 alleles (0.00056%); highest among the groups gnomAD compares: Admixed American, 0.0083%; no homozygotes.

Submissions (2):

PreventionGenetics, part of Exact Sciences
Classification: Likely benign for DST-related condition. Last evaluated: 2026-01-26. Review status: criteria provided, single submitter. Criteria: ACMG Guidelines, 2015. Collection method: clinical testing. Allele origin: germline.
Comment: This variant is classified as likely benign based on ACMG/AMP sequence variant interpretation guidelines (Richards et al. 2015 PMID: 25741868, with internal and published modifications).

Labcorp Genetics (formerly Invitae), Labcorp
Classification: Likely benign for Epidermolysis bullosa simplex 3, localized or generalized intermediate, with BP230 deficiency; Hereditary sensory and autonomic neuropathy type 6. Last evaluated: 2022-03-04. Review status: criteria provided, single submitter. Criteria: Invitae Variant Classification Sherloc (09022015). Collection method: clinical testing. Allele origin: germline.